The following is an entry in ClinVar:

ClinVar aggregate classification (germline): Uncertain significance (1 of 4 stars; one submission).

Conditions:
Cobalamin C disease. Also called: Cobalamin-C methylmalonic acidemia and homocystinuria; Methylmalonic acidemia and homocystinuria cblC type; methylmalonic aciduria and homocystinuria type cblC; Methylmalonic aciduria and homocystinuria, Vitamin B12-responsive; Vitamin B12 metabolic defect with combined deficiency of methylmalonyl-CoA mutase and homocysteine:methyltetrahydrofolate methyltransferase; Methylmalonic aciduria with homocystinuria cblC type. Identifiers: Orphanet 26, Orphanet 79282, MedGen C1848561, MONDO:0010184, OMIM 277400.

Submission:

Labcorp Genetics (formerly Invitae), Labcorp
Classification: Uncertain significance for Cobalamin C disease. Last evaluated: 2021-01-06. Review status: criteria provided, single submitter. Criteria: Invitae Variant Classification Sherloc (09022015). Collection method: clinical testing. Allele origin: germline.
Comment: Advanced modeling of protein sequence and biophysical properties (such as structural, functional, and spatial information, amino acid conservation, physicochemical variation, residue mobility, and thermodynamic stability) performed at Invitae indicates that this missense variant is expected to disrupt MMACHC protein function. This variant has not been reported in the literature in individuals with MMACHC-related conditions. This variant is not present in population databases (ExAC no frequency). In summary, the available evidence is currently insufficient to determine the role of this variant in disease. Therefore, it has been classified as a Variant of Uncertain Significance. This sequence change replaces glutamine with histidine at codon 131 of the MMACHC protein (p.Gln131His). The glutamine residue is highly conserved and there is a small physicochemical difference between glutamine and histidine.

NM_015506.3(MMACHC):c.393A>C (p.Gln131His)

Gene: MMACHC (metabolism of cobalamin associated C; plus strand). Cytogenetic location: 1p34.1.
Variant type: single nucleotide variant.
Coding change: c.393A>C on transcript NM_015506.3 (MANE Select); coding-DNA position 393, A replaced by C.
Protein change: p.Gln131His; replaces glutamine 131 with histidine.
Molecular consequence: missense variant.
Genome position (GRCh38, 1-based): chr1:45,508,328, A>C. VCF-style: chr1-45508328-A-C. GRCh37 (hg19) VCF-style: chr1-45974000-A-C.
Other names: c.222A>C, p.Gln74His (NM_001330540.2); short protein forms Q131H, Q74H.
Identifiers: ClinVar variation 1469013 (VCV001469013.8), dbSNP rs2149323606, ClinGen allele CA340132396.